The following is an entry in ClinVar:

NM_001134363.3(RBM20):c.2945G>T (p.Arg982Ile)

Gene: RBM20 (RNA binding motif protein 20; plus strand). Cytogenetic location: 10q25.2.
Variant type: single nucleotide variant.
Coding change: c.2945G>T on transcript NM_001134363.3 (MANE Select); coding-DNA position 2945, G replaced by T.
Protein change: p.Arg982Ile; replaces arginine 982 with isoleucine.
Molecular consequence: missense variant.
Genome position (GRCh38, 1-based): chr10:110,821,564, G>T. VCF-style: chr10-110821564-G-T. GRCh37 (hg19) VCF-style: chr10-112581322-G-T.
Other names: c.2945G>T (LRG_382t1); short protein forms R982I.
Identifiers: ClinVar variation 518912 (VCV000518912.7), dbSNP rs1387852539, ClinGen allele CA378378536.
Genomic context (GRCh38, chr10:110,821,564, plus strand): 5'-CCAAGGAAGGAGTCAAGGCCGTAGGGAATGGGGCTGCAGAAATCAGCCTCAAGTCACCCA[G>T]AGAACTGCCCTCTGCTTCCACAAGCTGTCCCAGTGACATGGACGTGGAAATGCCTGGCCT-3'
Protein context (NP_001127835.2, residues 972-992): GAAEISLKSP[Arg982Ile]ELPSASTSCP

ClinVar aggregate classification (germline): Uncertain significance. Review status: criteria provided, multiple submitters, no conflicts (2 of 4 stars). 2 submissions from 2 submitters: Uncertain significance (2). Last evaluated 2024-12-05.

Conditions:
Cardiovascular phenotype. Identifiers: MedGen CN230736.
Dilated cardiomyopathy 1DD (CMD1DD). Identifiers: Orphanet 154, MedGen C2750995, MONDO:0013168, OMIM 613172.

gnomAD v4.1: 13 of 1,551,172 alleles (0.00084%); highest among the groups gnomAD compares: East Asian, 0.032%; no homozygotes.

Submissions (2):

Labcorp Genetics (formerly Invitae), Labcorp
Classification: Uncertain significance for Dilated cardiomyopathy 1DD. Last evaluated: 2024-12-05. Review status: criteria provided, single submitter. Criteria: Invitae Variant Classification Sherloc (09022015). Collection method: clinical testing. Allele origin: germline.
Comment: This sequence change replaces arginine, which is basic and polar, with isoleucine, which is neutral and non-polar, at codon 982 of the RBM20 protein (p.Arg982Ile). This variant is not present in population databases (gnomAD no frequency). This variant has not been reported in the literature in individuals affected with RBM20-related conditions. ClinVar contains an entry for this variant (Variation ID: 518912). Invitae Evidence Modeling of protein sequence and biophysical properties (such as structural, functional, and spatial information, amino acid conservation, physicochemical variation, residue mobility, and thermodynamic stability) indicates that this missense variant is not expected to disrupt RBM20 protein function with a negative predictive value of 95%. In summary, the available evidence is currently insufficient to determine the role of this variant in disease. Therefore, it has been classified as a Variant of Uncertain Significance.

Ambry Genetics
Classification: Uncertain significance for Cardiovascular phenotype. Last evaluated: 2016-05-14. Review status: criteria provided, single submitter. Criteria: Ambry Variant Classification Scheme 2023. Collection method: clinical testing. Allele origin: germline.
Comment: The p.R982I variant (also known as c.2945G>T), located in coding exon 11 of the RBM20 gene, results from a G to T substitution at nucleotide position 2945. The arginine at codon 982 is replaced by isoleucine, an amino acid with some similar properties. This variant was not reported in population based cohorts in the following databases: Database of Single Nucleotide Polymorphisms (dbSNP), NHLBI Exome Sequencing Project (ESP), and 1000 Genomes Project. In the ESP, this variant was not observed in 2283 samples (4566 alleles) with coverage at this position. This amino acid position is poorly conserved in available vertebrate species. In addition, this alteration is predicted to be tolerated by in silico analysis. Since supporting evidence is limited at this time, the clinical significance of this alteration remains unclear.